The following is an entry in ClinVar:

ClinVar aggregate classification (germline): Uncertain significance (1 of 4 stars; one submission).

Submission:

GeneDx
Classification: Uncertain significance. Last evaluated: 2024-10-07. Review status: criteria provided, single submitter. Criteria: GeneDx Variant Classification Process June 2021. Collection method: clinical testing. Allele origin: germline. Affected: yes.
Comment: Not observed at significant frequency in large population cohorts (gnomAD); In silico analysis supports that this missense variant has a deleterious effect on protein structure/function; Has not been previously published as pathogenic or benign to our knowledge

NM_000158.4(GBE1):c.1742A>G (p.Asn581Ser)

Gene: GBE1 (1,4-alpha-glucan branching enzyme 1; minus strand). Cytogenetic location: 3p12.2.
Variant type: single nucleotide variant.
Coding change: c.1742A>G on transcript NM_000158.4 (MANE Select); coding-DNA position 1742, A replaced by G.
Protein change: p.Asn581Ser; replaces asparagine 581 with serine.
Molecular consequence: missense variant.
Genome position (GRCh38, 1-based): chr3:81,536,972, T>C on the plus strand (A>G on the coding strand, the complement: GBE1 is on the minus strand). VCF-style: chr3-81536972-T-C. GRCh37 (hg19) VCF-style: chr3-81586123-T-C.
Other names: short protein forms N581S.
Identifiers: ClinVar variation 3776339 (VCV003776339.1).